The following is an entry in ClinVar:

NM_001152.5(SLC25A5):c.675G>A (p.Gly225=)

Gene: SLC25A5 (solute carrier family 25 member 5; plus strand). Cytogenetic location: Xq24.
Variant type: single nucleotide variant.
Coding change: c.675G>A on transcript NM_001152.5 (MANE Select); coding-DNA position 675, G replaced by A.
Protein change: p.Gly225=; no amino-acid change (glycine 225 retained).
Molecular consequence: synonymous variant.
Genome position (GRCh38, 1-based): chrX:119,470,449, G>A. VCF-style: chrX-119470449-G-A. GRCh37 (hg19) VCF-style: chrX-118604412-G-A.
Identifiers: ClinVar variation 3060511 (VCV003060511.2), dbSNP rs200133814, ClinGen allele CA10502117.

ClinVar aggregate classification (germline): Likely benign (0 of 4 stars; one submission).

Conditions:
SLC25A5-related disorder. Also called: SLC25A5-related condition.

Allele frequency attached by ClinVar (database versions not stated): ExAC 0.00008; 1000 Genomes Project 30x 0.26098.

Submission:

PreventionGenetics, part of Exact Sciences
Classification: Likely benign for SLC25A5-related condition. Last evaluated: 2019-10-17. Review status: no assertion criteria provided. Collection method: clinical testing. Allele origin: germline.
Comment: This variant is classified as likely benign based on ACMG/AMP sequence variant interpretation guidelines (Richards et al. 2015 PMID: 25741868, with internal and published modifications).